The following is an entry in ClinVar:

NM_001256789.3(CACNA1F):c.3633G>T (p.Met1211Ile)

Gene: CACNA1F (calcium voltage-gated channel subunit alpha1 F; minus strand). Cytogenetic location: Xp11.23.
Variant type: single nucleotide variant.
Coding change: c.3633G>T on transcript NM_001256789.3 (MANE Select); coding-DNA position 3633, G replaced by T.
Protein change: p.Met1211Ile; replaces methionine 1211 with isoleucine.
Molecular consequence: missense variant.
Genome position (GRCh38, 1-based): chrX:49,214,234, C>A on the plus strand (G>T on the coding strand, the complement: CACNA1F is on the minus strand). VCF-style: chrX-49214234-C-A. GRCh37 (hg19) VCF-style: chrX-49070694-C-A.
Other names: c.3471G>T, p.Met1157Ile (NM_001256790.3); c.3666G>T, p.Met1222Ile (NM_005183.4); short protein forms M1157I, M1211I, M1222I.
Identifiers: ClinVar variation 1001877 (VCV001001877.9), dbSNP rs138798541, ClinGen allele CA10410408.

ClinVar aggregate classification (germline): Conflicting classifications of pathogenicity. Review status: criteria provided, conflicting classifications (1 of 4 stars). 2 submissions from 2 submitters: Uncertain significance (1); Likely benign (1). Last evaluated 2025-06-29.

Allele frequency attached by ClinVar (database versions not stated): gnomAD 0.00006 and 0.00007; gnomAD exomes 0.00008; ExAC 0.00009; TOPMed 0.00011; ESP Exome Variant Server 0.00019.

Submissions (2):

Labcorp Genetics (formerly Invitae), Labcorp
Classification: Uncertain significance. Last evaluated: 2025-06-29. Review status: criteria provided, single submitter. Criteria: Invitae Variant Classification Sherloc (09022015). Collection method: clinical testing. Allele origin: germline.
Comment: This sequence change replaces methionine, which is neutral and non-polar, with isoleucine, which is neutral and non-polar, at codon 1222 of the CACNA1F protein (p.Met1222Ile). The frequency data for this variant in the population databases is considered unreliable, as metrics indicate poor data quality at this position in the gnomAD database. This missense change has been observed in individual(s) with clinical features of Aland Island eye disease (PMID: 28002560). ClinVar contains an entry for this variant (Variation ID: 1001877). Invitae Evidence Modeling of protein sequence and biophysical properties (such as structural, functional, and spatial information, amino acid conservation, physicochemical variation, residue mobility, and thermodynamic stability) indicates that this missense variant is not expected to disrupt CACNA1F protein function with a negative predictive value of 80%. In summary, the available evidence is currently insufficient to determine the role of this variant in disease. Therefore, it has been classified as a Variant of Uncertain Significance.

Blueprint Genetics
Classification: Likely benign. Last evaluated: 2022-11-23. Review status: criteria provided, single submitter. Criteria: ACMG Guidelines, 2015. Collection method: clinical testing. Allele origin: germline.

Literature cited by the submitters: PubMed 28002560 (cited by Labcorp Genetics (formerly Invitae), Labcorp).